The following is an entry in ClinVar:

NM_001374736.1(DST):c.12655T>C (p.Ser4219Pro)

Gene: DST (dystonin; minus strand). Cytogenetic location: 6p12.1.
Variant type: single nucleotide variant.
Coding change: c.12655T>C on transcript NM_001374736.1 (MANE Select); coding-DNA position 12655, T replaced by C.
Protein change: p.Ser4219Pro; replaces serine 4219 with proline.
Molecular consequence: missense variant.
Genome position (GRCh38, 1-based): chr6:56,593,734, A>G on the plus strand (T>C on the coding strand, the complement: DST is on the minus strand). VCF-style: chr6-56593734-A-G. GRCh37 (hg19) VCF-style: chr6-56458532-A-G.
Other names: c.6298T>C, p.Ser2100Pro (NM_001144769.5); c.5884T>C, p.Ser1962Pro (NM_001144770.2); c.12655T>C, p.Ser4219Pro (NM_001374722.1); c.12022T>C, p.Ser4008Pro (NM_001374729.1); c.5764T>C, p.Ser1922Pro (NM_001374730.1, NM_001386100.1, NM_183380.4); c.12682T>C, p.Ser4228Pro (NM_001374734.1); c.4786T>C, p.Ser1596Pro (NM_015548.5); short protein forms S1962P, S4228P, S1922P, S4219P, S1596P, S2100P, S4008P.
Identifiers: ClinVar variation 4981538 (VCV004981538.1).

ClinVar aggregate classification (germline): Uncertain significance (1 of 4 stars; one submission).

Conditions:
DST-related disorder. Also called: DST-related disorders; DST-related condition.

gnomAD v4.1: 1 of 1,613,822 alleles (0.000062%); highest among the groups gnomAD compares: Non-Finnish European, 0.000085%; no homozygotes.

Submission:

PreventionGenetics, part of Exact Sciences
Classification: Uncertain significance for DST-related condition. Last evaluated: 2026-04-28. Review status: criteria provided, single submitter. Criteria: ACMG Guidelines, 2015. Collection method: clinical testing. Allele origin: germline.
Comment: The DST c.6298T>C variant is predicted to result in the amino acid substitution p.Ser2100Pro. To our knowledge, this variant has not been reported in the literature or in a large population database (gnomAD), indicating this variant is rare. At this time, the clinical significance of this variant is uncertain due to the absence of conclusive functional and genetic evidence.